The following is an entry in ClinVar:

NM_001377265.1(MAPT):c.*1152G>C

Gene: MAPT (microtubule associated protein tau). Cytogenetic location: 17q21.31.
Variant type: single nucleotide variant.
Coding change: c.*1152G>C on transcript NM_001377265.1 (MANE Select); 1152 bases downstream of the stop codon, G replaced by C.
Molecular consequence: 3 prime UTR variant. On other transcripts: non-coding transcript variant (1).
Genome position (GRCh38, 1-based): chr17:46,025,323, G>C. VCF-style: chr17-46025323-G-C. GRCh37 (hg19) VCF-style: chr17-44102689-G-C.
Other names: c.*1152G>C (NM_001123066.4, NM_001123067.4, NM_001203251.2 and 7 more transcripts); c.*135G>C (NM_001377267.1).
Identifiers: ClinVar variation 323673 (VCV000323673.7), dbSNP rs1052594, ClinGen allele CA10639873.

ClinVar aggregate classification (germline): Benign. Review status: criteria provided, multiple submitters, no conflicts (2 of 4 stars). 2 submissions from 2 submitters: Benign (2). Last evaluated 2018-01-13.

Conditions:
MAPT-Related Spectrum Disorders.

Allele frequency attached by ClinVar (database versions not stated): 1000 Genomes Project 30x 0.08542; 1000 Genomes Project 0.08626; gnomAD 0.12578; TOPMed 0.14810; gnomAD exomes 0.15506.
gnomAD v4.1: 21,877 of 152,746 alleles (14%); highest among the groups gnomAD compares: Non-Finnish European, 22%; 2,135 homozygotes.

Submissions (2):

Illumina Laboratory Services, Illumina
Classification: Benign for MAPT-Related Spectrum Disorders. Last evaluated: 2018-01-13. Review status: criteria provided, single submitter. Criteria: ICSL Variant Classification Criteria 13 December 2019. Collection method: clinical testing. Allele origin: germline.
Comment: This variant was observed in the ICSL laboratory as part of a predisposition screen in an ostensibly healthy population. It had not been previously curated by ICSL or reported in the Human Gene Mutation Database (HGMD: prior to June 1st, 2018), and was therefore a candidate for classification through an automated scoring system. Utilizing variant allele frequency, disease prevalence and penetrance estimates, and inheritance mode, an automated score was calculated to assess if this variant is too frequent to cause the disease. Based on the score and internal cut-off values, a variant classified as benign is not then subjected to further curation. The score for this variant resulted in a classification of benign for this disease.

Breakthrough Genomics
Classification: Benign. Review status: criteria provided, single submitter. Criteria: ACMG Guidelines, 2015. Collection method: not provided. Allele origin: germline. Inheritance: Autosomal recessive inheritance. Affected: yes.